The following is an entry in ClinVar:

NM_006206.6(PDGFRA):c.3209T>C (p.Ile1070Thr)

Gene: PDGFRA (platelet derived growth factor receptor alpha; plus strand). Cytogenetic location: 4q12.
Variant type: single nucleotide variant.
Coding change: c.3209T>C on transcript NM_006206.6 (MANE Select); coding-DNA position 3209, T replaced by C.
Protein change: p.Ile1070Thr; replaces isoleucine 1070 with threonine.
Molecular consequence: missense variant.
Genome position (GRCh38, 1-based): chr4:54,295,211, T>C. VCF-style: chr4-54295211-T-C. GRCh37 (hg19) VCF-style: chr4-55161378-T-C.
Other names: c.3284T>C, p.Ile1095Thr (NM_001347828.2); c.3209T>C, p.Ile1070Thr (NM_001347829.2); c.3248T>C, p.Ile1083Thr (NM_001347830.2); short protein forms I1070T, I1083T, I1095T.
Identifiers: ClinVar variation 2160558 (VCV002160558.5), dbSNP rs1724823953, ClinGen allele CA356896631.
Genomic context (GRCh38, chr4:54,295,211, plus strand): 5'-TTGAGACGGGTTCCAGCAGTTCCACCTTCATCAAGAGAGAGGACGAGACCATTGAAGACA[T>C]CGACATGATGGATGACATCGGCATAGACTCTTCAGACCTGGTGGAAGACAGCTTCCTGTA-3'
Protein context (NP_006197.1, residues 1060-1080): IKREDETIED[Ile1070Thr]DMMDDIGIDS

ClinVar aggregate classification (germline): Uncertain significance. Review status: criteria provided, multiple submitters, no conflicts (2 of 4 stars). 2 submissions from 2 submitters: Uncertain significance (2). Last evaluated 2023-12-05.

Conditions:
Polyps, multiple and recurrent inflammatory fibroid, gastrointestinal. Identifiers: MedGen C5193005, MONDO:0008285, OMIM 175510.
Gastrointestinal stromal tumor. Also called: Gastrointestinal stroma tumor; Gastrointestinal stromal tumor, somatic. Identifiers: Orphanet 44890, MedGen C0238198, MeSH D046152, MONDO:0011719, OMIM 606764, HP:0100723.

Allele frequency attached by ClinVar (database versions not stated): TOPMed below 0.00001.

Submissions (2):

Baylor Genetics
Classification: Uncertain significance for Polyps, multiple and recurrent inflammatory fibroid, gastrointestinal. Last evaluated: 2023-12-05. Review status: criteria provided, single submitter. Criteria: ACMG Guidelines, 2015. Collection method: clinical testing. Allele origin: unknown.

Labcorp Genetics (formerly Invitae), Labcorp
Classification: Uncertain significance for Gastrointestinal stromal tumor. Last evaluated: 2022-10-03. Review status: criteria provided, single submitter. Criteria: Invitae Variant Classification Sherloc (09022015). Collection method: clinical testing. Allele origin: germline.
Comment: In summary, the available evidence is currently insufficient to determine the role of this variant in disease. Therefore, it has been classified as a Variant of Uncertain Significance. Algorithms developed to predict the effect of missense changes on protein structure and function are either unavailable or do not agree on the potential impact of this missense change (SIFT: "Deleterious"; PolyPhen-2: "Possibly Damaging"; Align-GVGD: "Class C0"). This variant has not been reported in the literature in individuals affected with PDGFRA-related conditions. This variant is not present in population databases (gnomAD no frequency). This sequence change replaces isoleucine, which is neutral and non-polar, with threonine, which is neutral and polar, at codon 1070 of the PDGFRA protein (p.Ile1070Thr).